The following is an entry in ClinVar:

NM_016203.4(PRKAG2):c.1046G>C (p.Trp349Ser)

Gene: PRKAG2 (protein kinase AMP-activated non-catalytic subunit gamma 2; minus strand). Cytogenetic location: 7q36.1.
Variant type: single nucleotide variant.
Coding change: c.1046G>C on transcript NM_016203.4 (MANE Select); coding-DNA position 1046, G replaced by C.
Protein change: p.Trp349Ser; replaces tryptophan 349 with serine.
Molecular consequence: missense variant.
Genome position (GRCh38, 1-based): chr7:151,572,669, C>G on the plus strand (G>C on the coding strand, the complement: PRKAG2 is on the minus strand). VCF-style: chr7-151572669-C-G. GRCh37 (hg19) VCF-style: chr7-151269755-C-G.
Other names: c.914G>C, p.Trp305Ser (NM_001040633.2); c.671G>C, p.Trp224Ser (NM_001304527.2); c.323G>C, p.Trp108Ser (NM_001304531.2, NM_024429.2); c.674G>C, p.Trp225Ser (NM_001363698.2); short protein forms W108S, W224S, W225S, W305S, W349S.
Identifiers: ClinVar variation 1303643 (VCV001303643.3), dbSNP rs2151023972, ClinGen allele CA370072105.

ClinVar aggregate classification (germline): Uncertain significance (1 of 4 stars; one submission).

Submission:

GeneDx
Classification: Uncertain significance. Last evaluated: 2025-07-28. Review status: criteria provided, single submitter. Criteria: GeneDx Variant Classification Process June 2021. Collection method: clinical testing. Allele origin: germline. Affected: yes.
Comment: Has not been previously published as pathogenic or benign to our knowledge; In silico analysis supports that this missense variant has a deleterious effect on protein structure/function; Not observed at significant frequency in large population cohorts (gnomAD)